The following is an entry in ClinVar:

ClinVar aggregate classification (germline): Likely benign (1 of 4 stars; one submission).

Conditions:
TNC-related disorder. Also called: TNC-related condition.

gnomAD v4.1: 139 of 1,614,152 alleles (0.0086%); highest among the groups gnomAD compares: African/African-American, 0.17%; no homozygotes.

Submission:

PreventionGenetics, part of Exact Sciences
Classification: Likely benign for TNC-related condition. Last evaluated: 2026-07-29. Review status: criteria provided, single submitter. Criteria: ACMG Guidelines, 2015. Collection method: clinical testing. Allele origin: germline.
Comment: This variant is classified as likely benign based on ACMG/AMP sequence variant interpretation guidelines (Richards et al. 2015 PMID: 25741868, with internal and published modifications).

NM_002160.4(TNC):c.1536G>A (p.Val512=)

Gene: TNC (tenascin C; minus strand). Cytogenetic location: 9q33.1.
Variant type: single nucleotide variant.
Coding change: c.1536G>A on transcript NM_002160.4 (MANE Select); coding-DNA position 1536, G replaced by A.
Protein change: p.Val512=; no amino-acid change (valine 512 retained).
Molecular consequence: synonymous variant.
Genome position (GRCh38, 1-based): chr9:115,086,195, C>T on the plus strand (G>A on the coding strand, the complement: TNC is on the minus strand). VCF-style: chr9-115086195-C-T. GRCh37 (hg19) VCF-style: chr9-117848474-C-T.
Other names: c.1536G>A, p.Val512= (NM_001410991.1, NM_001439065.1, NM_001439066.1 and 35 more transcripts).
Identifiers: ClinVar variation 4978926 (VCV004978926.1).